The following is an entry in ClinVar:

NM_017780.4(CHD7):c.3248C>T (p.Thr1083Ile)

Gene: CHD7 (chromodomain helicase DNA binding protein 7; plus strand). Cytogenetic location: 8q12.2.
Variant type: single nucleotide variant.
Coding change: c.3248C>T on transcript NM_017780.4 (MANE Select); coding-DNA position 3248, C replaced by T.
Protein change: p.Thr1083Ile; replaces threonine 1083 with isoleucine.
Molecular consequence: missense variant. On other transcripts: intron variant (1).
Genome position (GRCh38, 1-based): chr8:60,823,886, C>T. VCF-style: chr8-60823886-C-T. GRCh37 (hg19) VCF-style: chr8-61736445-C-T.
Other names: c.1717-38343C>T (NM_001316690.1); short protein forms T1083I.
Identifiers: ClinVar variation 930132 (VCV000930132.7), dbSNP rs1804154342, ClinGen allele CA371311849.

ClinVar aggregate classification (germline): Conflicting classifications of pathogenicity. Review status: criteria provided, conflicting classifications (1 of 4 stars). 2 submissions from 2 submitters: Likely pathogenic (1); Uncertain significance (1). Last evaluated 2023-05-16.

Conditions:
CHARGE syndrome (CHARGE). Also called: Hittner Hirsch Kreh syndrome; Coloboma, heart anomaly, choanal atresia, retardation, genital and ear anomalies; CHARGE association; Hall-Hittner syndrome; CHARGE ASSOCIATION--COLOBOMA, HEART ANOMALY, CHOANAL ATRESIA, RETARDATION, GENITAL AND EAR ANOMALIES. Identifiers: Orphanet 138, MedGen C0265354, MONDO:0008965.

Submissions (2):

Labcorp Genetics (formerly Invitae), Labcorp
Classification: Uncertain significance for CHARGE syndrome. Last evaluated: 2023-05-16. Review status: criteria provided, single submitter. Criteria: Invitae Variant Classification Sherloc (09022015). Collection method: clinical testing. Allele origin: germline.
Comment: This sequence change replaces threonine, which is neutral and polar, with isoleucine, which is neutral and non-polar, at codon 1083 of the CHD7 protein (p.Thr1083Ile). In summary, the available evidence is currently insufficient to determine the role of this variant in disease. Therefore, it has been classified as a Variant of Uncertain Significance. Advanced modeling of protein sequence and biophysical properties (such as structural, functional, and spatial information, amino acid conservation, physicochemical variation, residue mobility, and thermodynamic stability) performed at Invitae indicates that this missense variant is expected to disrupt CHD7 protein function. ClinVar contains an entry for this variant (Variation ID: 930132). This variant has not been reported in the literature in individuals affected with CHD7-related conditions. This variant is not present in population databases (gnomAD no frequency).

Laboratory for Molecular Medicine, Mass General Brigham Personalized Medicine
Classification: Likely pathogenic for CHD7-related CHARGE syndrome. Last evaluated: 2019-12-06. Review status: criteria provided, single submitter. Criteria: LMM Criteria. Collection method: clinical testing. Allele origin: germline. Observed: 1 variant allele.
Comment: Computational prediction tools and conservation analysis suggest an impact to the protein. In summary, although additional studies are required to fully establish its clinical significance, this variant meets criteria to be classified as likely pathogenic for autosomal dominant CHD7-related disorders. ACMG/AMP Criteria applied: PS2, PM2, PP3.